The following is an entry in ClinVar:

NM_017541.4(CRYGS):c.248G>A (p.Cys83Tyr)

Gene: CRYGS (crystallin gamma S; minus strand). Cytogenetic location: 3q27.3.
Variant type: single nucleotide variant.
Coding change: c.248G>A on transcript NM_017541.4 (MANE Select); coding-DNA position 248, G replaced by A.
Protein change: p.Cys83Tyr; replaces cysteine 83 with tyrosine.
Molecular consequence: missense variant.
Genome position (GRCh38, 1-based): chr3:186,539,371, C>T on the plus strand (G>A on the coding strand, the complement: CRYGS is on the minus strand). VCF-style: chr3-186539371-C-T. GRCh37 (hg19) VCF-style: chr3-186257160-C-T.
Other names: short protein forms C83Y.
Identifiers: ClinVar variation 1013944 (VCV001013944.5), dbSNP rs1714002434, ClinGen allele CA355703887.

ClinVar aggregate classification (germline): Uncertain significance (1 of 4 stars; one submission).

Conditions:
Cataract 20 multiple types (CTRCT20). Also called: Membranous cataract. Identifiers: Orphanet 91492, MedGen C0524524, MONDO:0007284, OMIM 116100, HP:0010922.

Submission:

Labcorp Genetics (formerly Invitae), Labcorp
Classification: Uncertain significance for Cataract 20 multiple types. Last evaluated: 2025-04-13. Review status: criteria provided, single submitter. Criteria: Invitae Variant Classification Sherloc (09022015). Collection method: clinical testing. Allele origin: germline.
Comment: This sequence change replaces cysteine, which is neutral and slightly polar, with tyrosine, which is neutral and polar, at codon 83 of the CRYGS protein (p.Cys83Tyr). This variant is not present in population databases (gnomAD no frequency). This missense change has been observed in individuals with congenital cataracts (internal data). It has also been observed to segregate with disease in related individuals. ClinVar contains an entry for this variant (Variation ID: 1013944). An algorithm developed to predict the effect of missense changes on protein structure and function (PolyPhen-2) suggests that this variant is likely to be disruptive. This variant disrupts the p.Cys83 amino acid residue in CRYGS. Other variant(s) that disrupt this residue have been observed in individuals with CRYGS-related conditions (internal data), which suggests that this may be a clinically significant amino acid residue. In summary, the available evidence is currently insufficient to determine the role of this variant in disease. Therefore, it has been classified as a Variant of Uncertain Significance.